The following is an entry in ClinVar:

ClinVar aggregate classification (germline): Likely benign. Review status: criteria provided, single submitter (1 of 4 stars). 2 submissions from 2 submitters: Likely benign (1). 1 of the submissions does not count toward it. Last evaluated 2026-01-19.

Conditions:
IL12RB2-related disorder. Also called: IL12RB2-related condition.

Allele frequency attached by ClinVar (database versions not stated): gnomAD exomes 0.00015 and 0.00042; ExAC 0.00046; 1000 Genomes Project 30x 0.00125; 1000 Genomes Project 0.00140; gnomAD 0.00182 and 0.00198; TOPMed 0.00194; ESP Exome Variant Server 0.00200.
gnomAD v4.1: 511 of 1,614,202 alleles (0.032%); highest among the groups gnomAD compares: African/African-American, 0.59%; 2 homozygotes.

Submissions (2):

Labcorp Genetics (formerly Invitae), Labcorp
Classification: Likely benign. Last evaluated: 2026-01-19. Review status: criteria provided, single submitter. Criteria: Invitae Variant Classification Sherloc (09022015). Collection method: clinical testing. Allele origin: germline.

PreventionGenetics, part of Exact Sciences
Classification: Likely benign for IL12RB2-related condition. Last evaluated: 2019-05-02. Review status: no assertion criteria provided. Collection method: clinical testing. Allele origin: germline. Not counted in ClinVar's aggregate classification.
Comment: This variant is classified as likely benign based on ACMG/AMP sequence variant interpretation guidelines (Richards et al. 2015 PMID: 25741868, with internal and published modifications).

NM_001374259.2(IL12RB2):c.1117A>G (p.Met373Val)

Gene: IL12RB2 (interleukin 12 receptor subunit beta 2; plus strand). Cytogenetic location: 1p31.3.
Variant type: single nucleotide variant.
Coding change: c.1117A>G on transcript NM_001374259.2 (MANE Select); coding-DNA position 1117, A replaced by G.
Protein change: p.Met373Val; replaces methionine 373 with valine.
Molecular consequence: missense variant. On other transcripts: non-coding transcript variant (2).
Genome position (GRCh38, 1-based): chr1:67,350,948, A>G. VCF-style: chr1-67350948-A-G. GRCh37 (hg19) VCF-style: chr1-67816631-A-G.
Other names: c.1117A>G, p.Met373Val (NM_001258214.1, NM_001258215.1, NM_001258216.1 and 2 more transcripts); c.1117A>G (NM_001559.2); short protein forms M373V.
Identifiers: ClinVar variation 1532154 (VCV001532154.10), dbSNP rs116462549, ClinGen allele CA900409.